The following is an entry in ClinVar:

ClinVar aggregate classification (germline): Uncertain significance (1 of 4 stars; one submission).

Conditions:
TUB-related disorder. Also called: TUB-related condition.

gnomAD v4.1: 2 of 1,613,744 alleles (0.00012%); highest among the groups gnomAD compares: South Asian, 0.0022%; no homozygotes.

Submission:

PreventionGenetics, part of Exact Sciences
Classification: Uncertain significance for TUB-related condition. Last evaluated: 2025-06-10. Review status: criteria provided, single submitter. Criteria: ACMG Guidelines, 2015. Collection method: clinical testing. Allele origin: germline.
Comment: The TUB c.358G>A variant is predicted to result in the amino acid substitution p.Glu120Lys. To our knowledge, this variant has not been reported in the literature. This variant is reported in 0.0033% of alleles in individuals of South Asian descent in gnomAD. At this time, the clinical significance of this variant is uncertain due to the absence of conclusive functional and genetic evidence.

NM_177972.3(TUB):c.193G>A (p.Glu65Lys)

Gene: TUB (TUB bipartite transcription factor; plus strand). Cytogenetic location: 11p15.4.
Variant type: single nucleotide variant.
Coding change: c.193G>A on transcript NM_177972.3 (MANE Select); coding-DNA position 193, G replaced by A.
Protein change: p.Glu65Lys; replaces glutamic acid 65 with lysine.
Molecular consequence: missense variant.
Genome position (GRCh38, 1-based): chr11:8,090,171, G>A. VCF-style: chr11-8090171-G-A. GRCh37 (hg19) VCF-style: chr11-8111718-G-A.
Other names: c.211G>A, p.Glu71Lys (NM_001440538.1, NM_001440539.1, NM_001440540.1 and 1 more transcripts); c.193G>A, p.Glu65Lys (NM_001440541.1); c.358G>A, p.Glu120Lys (NM_003320.5); short protein forms E65K, E71K, E120K.
Identifiers: ClinVar variation 4998084 (VCV004998084.1).